The following is an entry in ClinVar:

ClinVar aggregate classification (germline): Benign. Review status: criteria provided, multiple submitters, no conflicts (2 of 4 stars). 2 submissions from 2 submitters: Benign (2). Last evaluated 2018-07-06.

Allele frequency attached by ClinVar (database versions not stated): gnomAD 0.23759 and 0.24618; TOPMed 0.23895; gnomAD exomes 0.24671 and 0.26618; ExAC 0.29898; 1000 Genomes Project 30x 0.33932; 1000 Genomes Project 0.35044.
gnomAD v4.1: 111,834 of 454,108 alleles (25%); highest among the groups gnomAD compares: East Asian, 69%; 16,118 homozygotes.

Submissions (2):

GeneDx
Classification: Benign. Last evaluated: 2018-07-06. Review status: criteria provided, single submitter. Criteria: GeneDx Variant Classification Process June 2021. Collection method: clinical testing. Allele origin: germline. Affected: yes.
Comment: This variant is associated with the following publications: (PMID: 27379672)

Breakthrough Genomics
Classification: Benign. Review status: criteria provided, single submitter. Criteria: ACMG Guidelines, 2015. Collection method: not provided. Allele origin: germline. Inheritance: Unknown mechanism. Affected: yes.

NM_013372.7(GREM1):c.-2+374G>A

Genes: GREM1 (gremlin 1, DAN family BMP antagonist; plus strand), GREM1-AS1 (GREM1 antisense RNA 1; minus strand). Cytogenetic location: 15q13.3.
Variant type: single nucleotide variant.
Coding change: c.-2+374G>A on transcript NM_013372.7 (MANE Select); 374 bases into the intron after 2 bases upstream of the start codon, G replaced by A.
Molecular consequence: intron variant. On other transcripts: 5 prime UTR variant (1).
Genome position (GRCh38, 1-based): chr15:32,718,535, G>A. VCF-style: chr15-32718535-G-A. GRCh37 (hg19) VCF-style: chr15-33010736-G-A.
Other names: c.-169G>A (NM_001368719.1); c.-2+374G>A (NM_001191323.2, NM_001191322.2).
Identifiers: ClinVar variation 1240993 (VCV001240993.3), dbSNP rs2293581, ClinGen allele CA7456084.